The following is an entry in ClinVar:

ClinVar aggregate classification (germline): Uncertain significance (1 of 4 stars; one submission).

Conditions:
Holoprosencephaly 3 (HPE3). Identifiers: Orphanet 2162, MedGen C1840529, MONDO:0007733, OMIM 142945.

Allele frequency attached by ClinVar (database versions not stated): TOPMed 0.00001.

Submission:

Labcorp Genetics (formerly Invitae), Labcorp
Classification: Uncertain significance for Holoprosencephaly 3. Last evaluated: 2024-12-05. Review status: criteria provided, single submitter. Criteria: Invitae Variant Classification Sherloc (09022015). Collection method: clinical testing. Allele origin: germline.
Comment: This variant occurs in a non-coding region of the SHH gene. It does not change the encoded amino acid sequence of the SHH protein. This variant is not present in population databases (gnomAD no frequency). This variant has not been reported in the literature in individuals affected with SHH-related conditions. Experimental studies and prediction algorithms are not available or were not evaluated, and the functional significance of this variant is currently unknown. In summary, the available evidence is currently insufficient to determine the role of this variant in disease. Therefore, it has been classified as a Variant of Uncertain Significance.

NC_000007.14:g.156795890A>G

Genes: LMBR1 (limb development membrane protein 1; minus strand), SHH (sonic hedgehog signaling molecule; minus strand). Cytogenetic location: 7q36.3.
Variant type: single nucleotide variant.
Molecular consequence: intron variant (on NM_022458.4).
Genome position: GRCh38 VCF-style: chr7-156795890-A-G. GRCh37 (hg19) VCF-style: chr7-156588584-A-G.
Other names: c.360+499T>C (NM_001363412.2); c.144+499T>C (NM_001350954.2); c.423+499T>C (NM_001363410.2, NM_022458.4, NM_001363409.2 and 1 more transcripts); c.-112+499T>C (NM_001350958.2, NM_001350956.2, NM_001350955.2 and 1 more transcripts); c.54+499T>C (NM_001350957.2, NM_001363411.2).
Identifiers: ClinVar variation 2876297 (VCV002876297.3), dbSNP rs1324078577, ClinGen allele CA835807031.